The following is an entry in ClinVar:

NM_000179.3(MSH6):c.3893A>C (p.Tyr1298Ser)

Gene: MSH6 (mutS homolog 6; plus strand). Cytogenetic location: 2p16.3.
Variant type: single nucleotide variant.
Coding change: c.3893A>C on transcript NM_000179.3 (MANE Select); coding-DNA position 3893, A replaced by C.
Protein change: p.Tyr1298Ser; replaces tyrosine 1298 with serine.
Molecular consequence: missense variant. On other transcripts: non-coding transcript variant (5), intron variant (1).
Genome position (GRCh38, 1-based): chr2:47,806,543, A>C. VCF-style: chr2-47806543-A-C. GRCh37 (hg19) VCF-style: chr2-48033682-A-C.
Other names: c.3596A>C, p.Tyr1199Ser (NM_001406801.1, NM_001406805.1, NM_001406818.1 and 10 more transcripts); c.3029A>C, p.Tyr1010Ser (NM_001406803.1); c.3815A>C, p.Tyr1272Ser (NM_001406804.1); c.3368A>C, p.Tyr1123Ser (NM_001406806.1, NM_001406807.1, NM_001406799.1); c.3893A>C, p.Tyr1298Ser (NM_001406808.1, NM_001406809.1, NM_001406796.1); c.2987A>C, p.Tyr996Ser (NM_001406811.1, NM_001406812.1, NM_001406814.1 and 6 more transcripts); c.3899A>C, p.Tyr1300Ser (NM_001406813.1); c.2327A>C, p.Tyr776Ser (NM_001406817.1); and 9 more; short protein forms M1294L, Y1010S, Y1123S, Y1168S, Y1199S, Y1240S, Y1242S, Y1272S.
Identifiers: ClinVar variation 4800237 (VCV004800237.1).

ClinVar aggregate classification (germline): Uncertain significance (1 of 4 stars; one submission).

Conditions:
Hereditary nonpolyposis colorectal neoplasms. Identifiers: MedGen C0009405, MeSH D003123.

Submission:

Labcorp Genetics (formerly Invitae), Labcorp
Classification: Uncertain significance for Hereditary nonpolyposis colorectal neoplasms. Last evaluated: 2026-01-27. Review status: criteria provided, single submitter. Criteria: Invitae Variant Classification Sherloc (09022015). Collection method: clinical testing. Allele origin: germline.
Comment: This sequence change replaces tyrosine, which is neutral and polar, with serine, which is neutral and polar, at codon 1298 of the MSH6 protein (p.Tyr1298Ser). This variant is not present in population databases (gnomAD no frequency). This variant has not been reported in the literature in individuals affected with MSH6-related conditions. Invitae Evidence Modeling of protein sequence and biophysical properties (such as structural, functional, and spatial information, amino acid conservation, physicochemical variation, residue mobility, and thermodynamic stability) indicates that this missense variant is expected to disrupt MSH6 protein function with a positive predictive value of 95%. In summary, the available evidence is currently insufficient to determine the role of this variant in disease. Therefore, it has been classified as a Variant of Uncertain Significance.